The following is an entry in ClinVar:

ClinVar aggregate classification (germline): Conflicting classifications of pathogenicity. Review status: criteria provided, conflicting classifications (1 of 4 stars). 18 submissions from 16 submitters: Uncertain significance (12); Likely benign (4). 2 of the submissions do not count toward it. Last evaluated 2026-06-10.

Conditions:
Inborn genetic diseases. Identifiers: MedGen C0950123, MeSH D030342.
Sialic acid storage disease, severe infantile type (ISSD). Also called: Free sialic acid storage disease, infantile form; Infantile Sialic Acid Storage Disease; INFANTILE SIALIC ACID STORAGE DISORDER; SIALURIA, INFANTILE FORM; N-ACETYLNEURAMINIC ACID STORAGE DISEASE; NANA STORAGE DISEASE. Identifiers: Orphanet 309324, Orphanet 834, MedGen C1096902, MONDO:0010027, OMIM 269920.
Salla disease (SD). Also called: Sialuria, Finnish type; N-acetylneuraminic acid (NANA) storage disease (NSD); Infantile sialic acid storage disorder (ISSD); Less Severe FSASD (Salla Disease). Identifiers: Orphanet 309334, Orphanet 834, MedGen C1096903, MONDO:0011449, OMIM 604369.
Familial hypokalemia-hypomagnesemia (GTLMNS). Also called: HYPOMAGNESEMIA-HYPOKALEMIA, PRIMARY RENOTUBULAR, WITH HYPOCALCIURIA; gitelman syndrome; POTASSIUM AND MAGNESIUM DEPLETION. Identifiers: Orphanet 358, MedGen C0268450, MONDO:0009904, OMIM 263800.
Enhanced S-cone syndrome (ESCS). Identifiers: Orphanet 53540, MedGen C1849394, MONDO:0100288, MONDO:0009989.

Allele frequency attached by ClinVar (database versions not stated): 1000 Genomes Project 30x 0.00047; 1000 Genomes Project 0.00060; ExAC 0.00116; gnomAD exomes 0.00118 and 0.00154; TOPMed 0.00122; gnomAD 0.00123 and 0.00131; ESP Exome Variant Server 0.00169.
gnomAD v4.1: 2,428 of 1,613,624 alleles (0.15%); highest among the groups gnomAD compares: Non-Finnish European, 0.18%; 7 homozygotes.

Submissions (18):

Women's Health and Genetics/Laboratory Corporation of America, LabCorp
Classification: Likely benign. Last evaluated: 2026-06-10. Review status: criteria provided, single submitter. Criteria: LabCorp Variant Classification Summary - May 2015. Collection method: clinical testing. Allele origin: germline.
Comment: Variant summary: SLC17A5 c.899C>T (p.Ser300Phe) results in a non-conservative amino acid change in the encoded protein sequence. Algorithms developed to predict the effect of missense changes on protein structure and function are either unavailable or do not agree on the potential impact of this missense change. The variant allele was found at a frequency of 0.0012 in 251416 control chromosomes, predominantly at a frequency of 0.002 within the Non-Finnish European subpopulation in the gnomAD database (v2.1). Multiple homozygous controls were found in gnomAD v4.1, suggesting the variant is a benign polymorphism. To our knowledge, no occurrence of c.899C>T in individuals affected with SLC17A5-related conditions and no experimental evidence demonstrating its impact on protein function have been reported. ClinVar contains an entry for this variant (Variation ID: 191213). Based on the evidence outlined above, the variant was classified as likely benign.

Labcorp Genetics (formerly Invitae), Labcorp
Classification: Likely benign for Salla disease. Last evaluated: 2026-01-24. Review status: criteria provided, single submitter. Criteria: Invitae Variant Classification Sherloc (09022015). Collection method: clinical testing. Allele origin: germline.

Mayo Clinic Laboratories, Mayo Clinic
Classification: Likely benign. Last evaluated: 2025-09-10. Review status: criteria provided, single submitter. Criteria: ACMG Guidelines, 2015. Collection method: clinical testing. Allele origin: germline. Observed: 4 variant alleles.
Comment: BS1, BS2

Genomic Medicine Center of Excellence, King Faisal Specialist Hospital and Research Centre
Classification: Uncertain significance for ENHANCED S-CONE SYNDROME 1. Last evaluated: 2024-12-17. Review status: criteria provided, single submitter. Criteria: ACMG Guidelines, 2015. Collection method: clinical testing. Allele origin: germline.

Genomic Medicine Center of Excellence, King Faisal Specialist Hospital and Research Centre
Classification: Uncertain significance for Salla disease. Last evaluated: 2024-12-04. Review status: criteria provided, single submitter. Criteria: ACMG Guidelines, 2015. Collection method: clinical testing. Allele origin: germline.

Blueprint Genetics
Classification: Uncertain significance. Last evaluated: 2024-11-19. Review status: criteria provided, single submitter. Criteria: ACMG Guidelines, 2015. Collection method: clinical testing. Allele origin: germline.

Department of Pathology and Laboratory Medicine, Sinai Health System
Classification: Uncertain significance for Sialic acid storage disease, severe infantile type; Salla disease. Last evaluated: 2023-01-16. Review status: criteria provided, single submitter. Criteria: ACMG Guidelines, 2015. Collection method: research. Allele origin: germline.

Ambry Genetics
Classification: Likely benign for Inborn genetic diseases. Last evaluated: 2022-08-16. Review status: criteria provided, single submitter. Criteria: Ambry Variant Classification Scheme 2023. Collection method: clinical testing. Allele origin: germline.

UNC Molecular Genetics  Laboratory, University of North Carolina at Chapel Hill
Classification: Uncertain significance for Familial hypokalemia-hypomagnesemia. Last evaluated: 2021-12-16. Review status: criteria provided, single submitter. Criteria: ACMG Guidelines, 2015. Collection method: clinical testing. Allele origin: germline. Affected: yes. Observed: 1 heterozygote.

Genome-Nilou Lab
Classification: Uncertain significance for Salla disease. Last evaluated: 2021-09-05. Review status: criteria provided, single submitter. Criteria: ACMG Guidelines, 2015. Collection method: clinical testing. Allele origin: germline. Affected: no.

GeneDx
Classification: Uncertain significance. Last evaluated: 2019-10-02. Review status: criteria provided, single submitter. Criteria: GeneDx Variant Classification Process June 2021. Collection method: clinical testing. Allele origin: germline. Affected: yes.
Comment: In silico analysis, which includes protein predictors and evolutionary conservation, supports a deleterious effect; Previously reported in a dataset of individuls with Parkinson disease; however, additional data, such as clinical details and segregation data, about this patient was not provided in this report (Robak et al., 2017); This variant is associated with the following publications: (PMID: 29140481)

Fulgent Genetics
Classification: Uncertain significance for Sialic acid storage disease, severe infantile type; Salla disease. Last evaluated: 2018-10-31. Review status: criteria provided, single submitter. Criteria: ACMG Guidelines, 2015. Collection method: clinical testing. Allele origin: unknown.

Eurofins Ntd Llc (ga)
Classification: Uncertain significance. Last evaluated: 2018-07-19. Review status: criteria provided, single submitter. Criteria: EGL ClinVar v180209 classification definitions. Collection method: clinical testing. Allele origin: germline. Observed: 1 variant allele, 1 heterozygote.

Illumina Laboratory Services, Illumina
Classification: Uncertain significance for Salla disease. Last evaluated: 2018-01-12. Review status: criteria provided, single submitter. Criteria: ICSL Variant Classification Criteria 13 December 2019. Collection method: clinical testing. Allele origin: germline.

Illumina Laboratory Services, Illumina
Classification: Uncertain significance for Sialic acid storage disease, severe infantile type. Last evaluated: 2018-01-12. Review status: criteria provided, single submitter. Criteria: ICSL Variant Classification Criteria 13 December 2019. Collection method: clinical testing. Allele origin: germline.

Center for Pediatric Genomic Medicine, Children's Mercy Hospital and Clinics
Classification: Uncertain significance. Last evaluated: 2016-01-21. Review status: criteria provided, single submitter. Criteria: ACMG Guidelines, 2015. Collection method: clinical testing. Allele origin: germline.
ClinVar note: Converted during submission from Uncertain Significance to Uncertain significance.

Natera, Inc.
Classification: Uncertain significance for Salla disease. Last evaluated: 2020-01-09. Review status: no assertion criteria provided. Collection method: clinical testing. Allele origin: germline. Not counted in ClinVar's aggregate classification.

Clinical Genetics DNA and cytogenetics Diagnostics Lab, Erasmus MC, Erasmus Medical Center
Classification: Uncertain significance. Review status: no assertion criteria provided. Collection method: clinical testing. Allele origin: germline. Affected: yes. Study: VKGL Data-share Consensus. Not counted in ClinVar's aggregate classification.

Literature cited by the submitters: PubMed 29140481 (cited by Mayo Clinic Laboratories, Mayo Clinic).

NM_012434.5(SLC17A5):c.899C>T (p.Ser300Phe)

Gene: SLC17A5 (solute carrier family 17 member 5; minus strand). Cytogenetic location: 6q13.
Variant type: single nucleotide variant.
Coding change: c.899C>T on transcript NM_012434.5 (MANE Select); coding-DNA position 899, C replaced by T.
Protein change: p.Ser300Phe; replaces serine 300 with phenylalanine.
Molecular consequence: missense variant.
Genome position (GRCh38, 1-based): chr6:73,621,883, G>A on the plus strand (C>T on the coding strand, the complement: SLC17A5 is on the minus strand). VCF-style: chr6-73621883-G-A. GRCh37 (hg19) VCF-style: chr6-74331606-G-A.
Other names: p.Ser300Phe; short protein forms S300F.
Identifiers: ClinVar variation 191213 (VCV000191213.42), dbSNP rs142553916, ClinGen allele CA236266.